The following is an entry in ClinVar:

NM_000291.4(PGK1):c.116G>A (p.Arg39Lys)

Gene: PGK1 (phosphoglycerate kinase 1; plus strand). Cytogenetic location: Xq21.1.
Variant type: single nucleotide variant.
Coding change: c.116G>A on transcript NM_000291.4 (MANE Select); coding-DNA position 116, G replaced by A.
Protein change: p.Arg39Lys; replaces arginine 39 with lysine.
Molecular consequence: missense variant.
Genome position (GRCh38, 1-based): chrX:78,109,917, G>A. VCF-style: chrX-78109917-G-A. GRCh37 (hg19) VCF-style: chrX-77365414-G-A.
Other names: short protein forms R39K.
Identifiers: ClinVar variation 591767 (VCV000591767.5), dbSNP rs1310556137, ClinGen allele CA413717825.
Genomic context (GRCh38, chrX:78,109,917, plus strand): 5'-TCTTTTTTAGAGTCGACTTCAATGTTCCTATGAAGAACAACCAGATAACAAACAACCAGA[G>A]GTAAGGTCCCTGCTAATCCTTGGGCTGGGTTTAAGATGTGTGTAGGTACACAGGATGAAA-3'
Protein context (NP_000282.1, residues 29-49): MKNNQITNNQ[Arg39Lys]IKAAVPSIKF

ClinVar aggregate classification (germline): Uncertain significance. Review status: criteria provided, single submitter (1 of 4 stars). 2 submissions from 2 submitters: Uncertain significance (1). 1 of the submissions does not count toward it. Last evaluated 2022-07-06.

Allele frequency attached by ClinVar (database versions not stated): gnomAD 0.00003; TOPMed 0.00003.

Submissions (2):

Labcorp Genetics (formerly Invitae), Labcorp
Classification: Uncertain significance. Last evaluated: 2022-07-06. Review status: criteria provided, single submitter. Criteria: Invitae Variant Classification Sherloc (09022015). Collection method: clinical testing. Allele origin: germline.
Comment: In summary, the available evidence is currently insufficient to determine the role of this variant in disease. Therefore, it has been classified as a Variant of Uncertain Significance. Variants that disrupt the consensus splice site are a relatively common cause of aberrant splicing (PMID: 17576681, 9536098). Algorithms developed to predict the effect of missense changes on protein structure and function (SIFT, PolyPhen-2, Align-GVGD) all suggest that this variant is likely to be disruptive. ClinVar contains an entry for this variant (Variation ID: 591767). This variant has not been reported in the literature in individuals affected with PGK1-related conditions. This variant is present in population databases (no rsID available, gnomAD 0.02%), including at least one homozygous and/or hemizygous individual. This sequence change replaces arginine, which is basic and polar, with lysine, which is basic and polar, at codon 39 of the PGK1 protein (p.Arg39Lys). This variant also falls at the last nucleotide of exon 2, which is part of the consensus splice site for this exon.

Gharavi Laboratory, Columbia University
Classification: Uncertain significance. Last evaluated: 2018-09-16. Review status: no assertion criteria provided. Criteria: ACMG Guidelines, 2015. Collection method: research. Allele origin: germline. Affected: yes. Not counted in ClinVar's aggregate classification.

Literature cited by the submitters: PubMed 17576681 (cited by Labcorp Genetics (formerly Invitae), Labcorp); PubMed 9536098 (cited by Labcorp Genetics (formerly Invitae), Labcorp).